The following is an entry in ClinVar:

NM_001170700.3(DTHD1):c.2119G>C (p.Asp707His)

Gene: DTHD1 (death domain containing 1; plus strand). Cytogenetic location: 4p14.
Variant type: single nucleotide variant.
Coding change: c.2119G>C on transcript NM_001170700.3 (MANE Select); coding-DNA position 2119, G replaced by C.
Protein change: p.Asp707His; replaces aspartic acid 707 with histidine.
Molecular consequence: missense variant. On other transcripts: non-coding transcript variant (2).
Genome position (GRCh38, 1-based): chr4:36,316,265, G>C. VCF-style: chr4-36316265-G-C. GRCh37 (hg19) VCF-style: chr4-36317887-G-C.
Other names: c.1249G>C, p.Asp417His (NM_001136536.5); c.1186G>C, p.Asp396His (NM_001378435.1); short protein forms D396H, D707H, D417H.
Identifiers: ClinVar variation 1506542 (VCV001506542.6), dbSNP rs376420804, ClinGen allele CA95790236.

ClinVar aggregate classification (germline): Uncertain significance (1 of 4 stars; one submission).

gnomAD v4.1: 2 of 1,551,476 alleles (0.00013%); highest among the groups gnomAD compares: Non-Finnish European, 0.00017%; no homozygotes.

Submission:

Labcorp Genetics (formerly Invitae), Labcorp
Classification: Uncertain significance. Last evaluated: 2022-06-05. Review status: criteria provided, single submitter. Criteria: Invitae Variant Classification Sherloc (09022015). Collection method: clinical testing. Allele origin: germline.
Comment: This sequence change replaces aspartic acid, which is acidic and polar, with histidine, which is basic and polar, at codon 417 of the DTHD1 protein (p.Asp417His). This variant is not present in population databases (gnomAD no frequency). This variant has not been reported in the literature in individuals affected with DTHD1-related conditions. ClinVar contains an entry for this variant (Variation ID: 1506542). Algorithms developed to predict the effect of missense changes on protein structure and function are either unavailable or do not agree on the potential impact of this missense change (SIFT: "Tolerated"; PolyPhen-2: "Probably Damaging"; Align-GVGD: "Class C0"). In summary, the available evidence is currently insufficient to determine the role of this variant in disease. Therefore, it has been classified as a Variant of Uncertain Significance.